The following is an entry in ClinVar:

NM_000051.4(ATM):c.7506C>T (p.Gly2502=)

Genes: ATM (ATM serine/threonine kinase; plus strand), C11orf65 (chromosome 11 open reading frame 65; minus strand). Cytogenetic location: 11q22.3.
Variant type: single nucleotide variant.
Coding change: c.7506C>T on transcript NM_000051.4 (MANE Select); coding-DNA position 7506, C replaced by T.
Protein change: p.Gly2502=; no amino-acid change (glycine 2502 retained).
Molecular consequence: synonymous variant. On other transcripts: intron variant (2).
Genome position (GRCh38, 1-based): chr11:108,330,412, C>T. VCF-style: chr11-108330412-C-T. GRCh37 (hg19) VCF-style: chr11-108201139-C-T.
Other names: c.7506C>T, p.Gly2502= (NM_001351834.2); c.641-21341G>A (NM_001330368.2); c.*38+4808G>A (NM_001351110.2).
Identifiers: ClinVar variation 2822610 (VCV002822610.4), dbSNP rs1320014489, ClinGen allele CA476677001.
Genomic context (GRCh38, chr11:108,330,412, plus strand): 5'-GTGGGTATTCCGACTTTGTTCCCTCTGGCTTGAAAATTCTGGAGTTTCTGAAGTCAATGG[C>T]ATGATGAAGGCAAGTGTTACTCAGCCCAATATTCTACCCTGTGCTTGAAAAACTTAGACA-3'
Protein context (NP_000042.3, residues 2492-2512): LENSGVSEVN[Gly2502=]MMKRDGMKIP

ClinVar aggregate classification (germline): Conflicting classifications of pathogenicity. Review status: criteria provided, conflicting classifications (1 of 4 stars). 2 submissions from 2 submitters: Uncertain significance (1); Likely benign (1). Last evaluated 2026-04-06.

Conditions:
Ataxia-telangiectasia syndrome (AT). Also called: LOUIS-BAR SYNDROME; Cerebello-oculocutaneous telangiectasia; Immunodeficiency with ataxia telangiectasia; Ataxia telangiectasia (A-T); Ataxia-telangiectasia, complementation group D; AT, COMPLEMENTATION GROUP C. Identifiers: Orphanet 100, MedGen C0004135, MONDO:0008840, OMIM 208900.
Hereditary cancer-predisposing syndrome. Also called: Tumor predisposition; Neoplastic Syndromes, Hereditary; Hereditary Cancer Syndrome; Hereditary neoplastic syndrome. Identifiers: Orphanet 140162, MedGen C0027672, MeSH D009386, MONDO:0015356.

Allele frequency attached by ClinVar (database versions not stated): gnomAD exomes below 0.00001.
gnomAD v4.1: 1 of 1,614,060 alleles (0.000062%); highest among the groups gnomAD compares: South Asian, 0.0011%; no homozygotes.

Submissions (2):

Ambry Genetics
Classification: Uncertain significance for Hereditary cancer-predisposing syndrome. Last evaluated: 2026-04-06. Review status: criteria provided, single submitter. Criteria: Ambry Variant Classification Scheme 2023. Collection method: clinical testing. Allele origin: germline.
Comment: The c.7506C>T variant (also known as p.G2502G), located in coding exon 49 of the ATM gene, results from a C to T substitution at nucleotide position 7506. This nucleotide substitution does not change the amino acid at codon 2502. In an assay testing ATM function, this variant showed a functionally normal result (Lee KS et al. Cell, 2025 Sep;188:5081-5099.e27). This nucleotide position is well conserved in available vertebrate species. In silico splice site analysis predicts that this alteration will result in the creation or strengthening of a novel splice donor site. Based on the available evidence, the clinical significance of this variant remains unclear.

Labcorp Genetics (formerly Invitae), Labcorp
Classification: Likely benign for Ataxia-telangiectasia syndrome. Last evaluated: 2025-03-01. Review status: criteria provided, single submitter. Criteria: Invitae Variant Classification Sherloc (09022015). Collection method: clinical testing. Allele origin: germline.

Literature cited by the submitters: PubMed 40580951 (cited by Ambry Genetics).